The following is an entry in ClinVar:

ClinVar aggregate classification (germline): Benign. Review status: criteria provided, multiple submitters, no conflicts (2 of 4 stars). 2 submissions from 2 submitters: Benign (2). Last evaluated 2024-07-31.

Allele frequency attached by ClinVar (database versions not stated): 1000 Genomes Project 30x 0.22064; 1000 Genomes Project 0.22204; TOPMed 0.26285; gnomAD 0.27868 and 0.27958; gnomAD exomes 0.31201; ExAC 0.38740.
gnomAD v4.1: 446,930 of 1,329,760 alleles (34%); highest among the groups gnomAD compares: Non-Finnish European, 36%; 77,967 homozygotes.

Submissions (2):

Unidad de Genómica Garrahan, Hospital de Pediatría Garrahan
Classification: Benign. Last evaluated: 2024-07-31. Review status: criteria provided, single submitter. Criteria: ACMG Guidelines, 2015. Collection method: clinical testing. Allele origin: germline. Affected: no. Observed: 42 variant alleles.
Comment: This variant is classified as Benign based on local population frequency. This variant was detected in 45% of patients studied in a panel designed for Epileptic and Developmental Encephalopathy, Progressive Myoclonus Epilepsy and Abnormal Movements and Neurodegeneration with brain iron accumulation. Number of patients: 42. Only high quality variants are reported.

GeneDx
Classification: Benign. Last evaluated: 2018-06-23. Review status: criteria provided, single submitter. Criteria: GeneDx Variant Classification Process June 2021. Collection method: clinical testing. Allele origin: germline. Affected: yes.

NM_020442.6(VARS2):c.-28+156C>T

Gene: VARS2 (valyl-tRNA synthetase 2, mitochondrial; plus strand). Cytogenetic location: 6p21.33.
Variant type: single nucleotide variant.
Coding change: c.-28+156C>T on transcript NM_020442.6 (MANE Select); 156 bases into the intron after 28 bases upstream of the start codon, C replaced by T.
Molecular consequence: intron variant.
Genome position (GRCh38, 1-based): chr6:30,914,500, C>T. VCF-style: chr6-30914500-C-T. GRCh37 (hg19) VCF-style: chr6-30882277-C-T.
Other names: c.58+31C>T (NM_001167734.2); c.-220+156C>T (NM_001167733.3).
Identifiers: ClinVar variation 1271839 (VCV001271839.3), dbSNP rs1264305, ClinGen allele CA3705461.